The following is an entry in ClinVar:

NM_004336.5(BUB1):c.676G>C (p.Ala226Pro)

Gene: BUB1 (BUB1 mitotic checkpoint serine/threonine kinase; minus strand). Cytogenetic location: 2q13.
Variant type: single nucleotide variant.
Coding change: c.676G>C on transcript NM_004336.5 (MANE Select); coding-DNA position 676, G replaced by C.
Protein change: p.Ala226Pro; replaces alanine 226 with proline.
Molecular consequence: missense variant.
Genome position (GRCh38, 1-based): chr2:110,667,650, C>G on the plus strand (G>C on the coding strand, the complement: BUB1 is on the minus strand). VCF-style: chr2-110667650-C-G. GRCh37 (hg19) VCF-style: chr2-111425227-C-G.
Other names: c.616G>C, p.Ala206Pro (NM_001278616.2); c.676G>C, p.Ala226Pro (NM_001278617.2); short protein forms A206P, A226P.
Identifiers: ClinVar variation 1755348 (VCV001755348.2), dbSNP rs755647100, ClinGen allele CA348217906.

ClinVar aggregate classification (germline): Uncertain significance (1 of 4 stars; one submission).

Submission:

Ambry Genetics
Classification: Uncertain significance. Last evaluated: 2021-12-18. Review status: criteria provided, single submitter. Criteria: Ambry Variant Classification Scheme 2023. Collection method: clinical testing. Allele origin: germline.
Comment: The p.A226P variant (also known as c.676G>C), located in coding exon 8 of the BUB1 gene, results from a G to C substitution at nucleotide position 676. The alanine at codon 226 is replaced by proline, an amino acid with highly similar properties. This amino acid position is conserved. In addition, this alteration is predicted to be tolerated by in silico analysis. Since supporting evidence is limited at this time, the clinical significance of this alteration remains unclear.